The following is an entry in ClinVar:

NM_014946.4(SPAST):c.496G>T (p.Gly166Ter)

Gene: SPAST (spastin; plus strand). Cytogenetic location: 2p22.3.
Variant type: single nucleotide variant.
Coding change: c.496G>T on transcript NM_014946.4 (MANE Select); coding-DNA position 496, G replaced by T.
Protein change: p.Gly166Ter; replaces glycine 166 with a stop codon.
Molecular consequence: nonsense.
Genome position (GRCh38, 1-based): chr2:32,087,572, G>T. VCF-style: chr2-32087572-G-T. GRCh37 (hg19) VCF-style: chr2-32312641-G-T.
Other names: c.493G>T, p.Gly165Ter (NM_001363823.2, NM_001363875.2); c.496G>T, p.Gly166Ter (NM_001377959.1, NM_199436.2); short protein forms G165*, G166*.
Identifiers: ClinVar variation 1800493 (VCV001800493.1), dbSNP rs2465763188, ClinGen allele CA346603360.
Genomic context (GRCh38, chr2:32,087,572, plus strand): 5'-GTGGAATGGTATAAGAAAGGTATTGAAGAACTGGAAAAAGGAATAGCTGTTATAGTTACA[G>T]GACAAGGTAAGATTGTATTTGTTTATAGCCATCCCAAATTATGATATATTCACATGATTG-3'

ClinVar aggregate classification (germline): Pathogenic (1 of 4 stars; one submission).

Allele frequency attached by ClinVar (database versions not stated): gnomAD exomes below 0.00001.

Submission:

GeneDx
Classification: Pathogenic. Last evaluated: 2022-11-18. Review status: criteria provided, single submitter. Criteria: GeneDx Variant Classification Process June 2021. Collection method: clinical testing. Allele origin: germline. Affected: yes.
Comment: Nonsense variant predicted to result in protein truncation or nonsense mediated decay in a gene for which loss of function is a known mechanism of disease; Not observed at significant frequency in large population cohorts (gnomAD); This variant is associated with the following publications: (PMID: 30476002)